The following is an entry in ClinVar:

NM_033310.3(KCNK4):c.317A>T (p.Tyr106Phe)

Genes: KCNK4 (potassium two pore domain channel subfamily K member 4; plus strand), KCNK4-CATSPERZ (KCNK4-CATSPERZ readthrough (NMD candidate); plus strand). Cytogenetic location: 11q13.1.
Variant type: single nucleotide variant.
Coding change: c.317A>T on transcript NM_033310.3 (MANE Select); coding-DNA position 317, A replaced by T.
Protein change: p.Tyr106Phe; replaces tyrosine 106 with phenylalanine.
Molecular consequence: missense variant. On other transcripts: non-coding transcript variant (3).
Genome position (GRCh38, 1-based): chr11:64,297,122, A>T. VCF-style: chr11-64297122-A-T. GRCh37 (hg19) VCF-style: chr11-64064594-A-T.
Other names: c.317A>T, p.Tyr106Phe (NM_001317090.2); short protein forms Y106F.
Identifiers: ClinVar variation 3731369 (VCV003731369.1).
Genomic context (GRCh38, chr11:64,297,122, plus strand): 5'-GGGAGACGGAGGGGTCCCAGGTGGCCCCTAGACTTCCTGCATCGCCCCTCTGCCCAGGCT[A>T]TGGCAATGTGGCCCTGCGCACAGATGCCGGGCGCCTCTTCTGCATCTTTTATGCGCTGGT-3'
Protein context (NP_201567.1, residues 96-116): FSGTIITTIG[Tyr106Phe]GNVALRTDAG

ClinVar aggregate classification (germline): Uncertain significance (1 of 4 stars; one submission).

Conditions:
Facial dysmorphism, hypertrichosis, epilepsy, intellectual/developmental delay, and gingival overgrowth syndrome. Identifiers: Orphanet 598603, MedGen C5193066, MONDO:0032714, OMIM 618381.

Submission:

Neuberg Centre For Genomic Medicine, NCGM
Classification: Uncertain significance for Facial dysmorphism, hypertrichosis, epilepsy, intellectual/developmental delay, and gingival overgrowth syndrome. Review status: criteria provided, single submitter. Criteria: ACMG Guidelines, 2015. Collection method: clinical testing. Allele origin: germline. Inheritance: Autosomal dominant inheritance. Affected: yes.
Comment: The observed missense variant c.317A>T(p.Tyr106Phe) in the KCNK4 gene has not been reported previously as a pathogenic variant nor as a benign variant, to our knowledge. This variant is absent in the gnomAD Exomes. The amino acid Tyr at position 106 is changed to a Phe changing protein sequence and it might alter its composition and physico-chemical properties. Multiple lines of computational evidence (Polyphen - Damaging and MutationTaster - Disease causing) predict a damaging effect on protein structure and function for this variant. The residue is conserved by GERP++ and PhyloP across 100 vertebrates. For these reasons, this variant has been classified as Uncertain Significance.